The following is an entry in ClinVar:

NM_022552.5(DNMT3A):c.690C>G (p.Asn230Lys)

Gene: DNMT3A (DNA methyltransferase 3 alpha; minus strand). Cytogenetic location: 2p23.3.
Variant type: single nucleotide variant.
Coding change: c.690C>G on transcript NM_022552.5 (MANE Select); coding-DNA position 690, C replaced by G.
Protein change: p.Asn230Lys; replaces asparagine 230 with lysine.
Molecular consequence: missense variant. On other transcripts: non-coding transcript variant (1).
Genome position (GRCh38, 1-based): chr2:25,248,202, G>C on the plus strand (C>G on the coding strand, the complement: DNMT3A is on the minus strand). VCF-style: chr2-25248202-G-C. GRCh37 (hg19) VCF-style: chr2-25471071-G-C.
Other names: c.234C>G, p.Asn78Lys (NM_001320893.1); c.21C>G, p.Asn7Lys (NM_001375819.1); c.123C>G, p.Asn41Lys (NM_153759.3); c.690C>G, p.Asn230Lys (NM_175629.2); short protein forms N41K, N78K, N230K, N7K.
Identifiers: ClinVar variation 3704313 (VCV003704313.3).
Genomic context (GRCh38, chr2:25,248,202, plus strand): 5'-GGGCTGCTGCACAGCAGGAGGGCTGGCCTCCTCCACCTTCTGAGACTCCCCGGGCCCCTG[G>C]TTTTCTTCCACAGCATTCATTCCTGCAATGACCTTGGCTTTCTTCTCAGCCTGGGGAAAC-3'
Protein context (NP_072046.2, residues 220-240): VIAGMNAVEE[Asn230Lys]QGPGESQKVE

ClinVar aggregate classification (germline): Uncertain significance. Review status: criteria provided, multiple submitters, no conflicts (2 of 4 stars). 2 submissions from 2 submitters: Uncertain significance (2). Last evaluated 2026-03-02.

Conditions:
Tatton-Brown-Rahman overgrowth syndrome. Also called: Tatton-Brown-Rahman syndrome; Tall stature-intellectual disability-facial dysmorphism syndrome. Identifiers: Orphanet 404443, MedGen C4014545, MONDO:0014382, OMIM 615879.
DNMT3A-related disorder. Also called: DNMT3A-related condition; DNMT3A-related disorders.

gnomAD v4.1: 5 of 1,612,756 alleles (0.00031%); highest among the groups gnomAD compares: Non-Finnish European, 0.00042%; no homozygotes.

Submissions (2):

PreventionGenetics, part of Exact Sciences
Classification: Uncertain significance for DNMT3A-related condition. Last evaluated: 2026-03-02. Review status: criteria provided, single submitter. Criteria: ACMG Guidelines, 2015. Collection method: clinical testing. Allele origin: germline.
Comment: The DNMT3A c.690C>G variant is predicted to result in the amino acid substitution p.Asn230Lys. To our knowledge, this variant has not been reported in the literature or in a large population database (gnomAD), indicating this variant is rare. At this time, the clinical significance of this variant is uncertain due to the absence of conclusive functional and genetic evidence.

Labcorp Genetics (formerly Invitae), Labcorp
Classification: Uncertain significance for Tatton-Brown-Rahman overgrowth syndrome. Last evaluated: 2024-08-27. Review status: criteria provided, single submitter. Criteria: Invitae Variant Classification Sherloc (09022015). Collection method: clinical testing. Allele origin: germline.
Comment: This sequence change replaces asparagine, which is neutral and polar, with lysine, which is basic and polar, at codon 230 of the DNMT3A protein (p.Asn230Lys). This variant is not present in population databases (gnomAD no frequency). This variant has not been reported in the literature in individuals affected with DNMT3A-related conditions. Invitae Evidence Modeling of protein sequence and biophysical properties (such as structural, functional, and spatial information, amino acid conservation, physicochemical variation, residue mobility, and thermodynamic stability) indicates that this missense variant is not expected to disrupt DNMT3A protein function with a negative predictive value of 80%. In summary, the available evidence is currently insufficient to determine the role of this variant in disease. Therefore, it has been classified as a Variant of Uncertain Significance.